The following is an entry in ClinVar:

ClinVar aggregate classification (germline): Uncertain significance. Review status: criteria provided, multiple submitters, no conflicts (2 of 4 stars). 3 submissions from 3 submitters: Uncertain significance (3). Last evaluated 2026-07-28.

Conditions:
Autosomal recessive polycystic kidney disease (ARPKD). Also called: AR polycystic kidney disease. Identifiers: Orphanet 731, Orphanet 8378, MedGen C0085548, MeSH D017044, MONDO:0009889.
PKHD1-related disorder. Also called: PKHD1-related condition.

Allele frequency attached by ClinVar (database versions not stated): gnomAD exomes below 0.00001; TOPMed below 0.00001; gnomAD 0.00001.
gnomAD v4.1: 6 of 1,609,060 alleles (0.00037%); highest among the groups gnomAD compares: Admixed American, 0.0084%; no homozygotes.

Submissions (3):

PreventionGenetics, part of Exact Sciences
Classification: Uncertain significance for PKHD1-related condition. Last evaluated: 2026-07-28. Review status: criteria provided, single submitter. Criteria: ACMG Guidelines, 2015. Collection method: clinical testing. Allele origin: germline.
Comment: The PKHD1 c.6730C>G variant is predicted to result in the amino acid substitution p.Leu2244Val. To our knowledge, this variant has not been reported in the literature. This variant is reported in 0.012% of alleles in individuals of Latino descent in gnomAD. At this time, the clinical significance of this variant is uncertain due to the absence of conclusive functional and genetic evidence.

Mayo Clinic Laboratories, Mayo Clinic
Classification: Uncertain significance. Last evaluated: 2024-08-05. Review status: criteria provided, single submitter. Criteria: ACMG Guidelines, 2015. Collection method: clinical testing. Allele origin: germline. Observed: 1 variant allele.

Labcorp Genetics (formerly Invitae), Labcorp
Classification: Uncertain significance for Autosomal recessive polycystic kidney disease. Last evaluated: 2021-08-24. Review status: criteria provided, single submitter. Criteria: Invitae Variant Classification Sherloc (09022015). Collection method: clinical testing. Allele origin: germline.
Comment: This sequence change replaces leucine with valine at codon 2244 of the PKHD1 protein (p.Leu2244Val). The leucine residue is moderately conserved and there is a small physicochemical difference between leucine and valine. This variant is not present in population databases (ExAC no frequency). This variant has not been reported in the literature in individuals affected with PKHD1-related conditions. Algorithms developed to predict the effect of missense changes on protein structure and function are either unavailable or do not agree on the potential impact of this missense change (SIFT: "Deleterious"; PolyPhen-2: "Probably Damaging"; Align-GVGD: "Class C0"). In summary, the available evidence is currently insufficient to determine the role of this variant in disease. Therefore, it has been classified as a Variant of Uncertain Significance.

NM_138694.4(PKHD1):c.6730C>G (p.Leu2244Val)

Gene: PKHD1 (PKHD1 ciliary IPT domain containing fibrocystin/polyductin; minus strand). Cytogenetic location: 6p12.2.
Variant type: single nucleotide variant.
Coding change: c.6730C>G on transcript NM_138694.4 (MANE Select); coding-DNA position 6730, C replaced by G.
Protein change: p.Leu2244Val; replaces leucine 2244 with valine.
Molecular consequence: missense variant.
Genome position (GRCh38, 1-based): chr6:51,906,293, G>C on the plus strand (C>G on the coding strand, the complement: PKHD1 is on the minus strand). VCF-style: chr6-51906293-G-C. GRCh37 (hg19) VCF-style: chr6-51771091-G-C.
Other names: p.Leu2244Val; c.6730C>G, p.Leu2244Val (NM_170724.3); c.6730C>G (NM_138694.3); short protein forms L2244V.
Identifiers: ClinVar variation 2143283 (VCV002143283.4), dbSNP rs1283491963, ClinGen allele CA364432817.